The following is an entry in ClinVar:

ClinVar aggregate classification (germline): Uncertain significance (1 of 4 stars; one submission).

Submission:

Dasa
Classification: Uncertain significance. Last evaluated: 2025-08-23. Review status: criteria provided, single submitter. Criteria: DASA Assertion Criteria. Collection method: clinical testing. Allele origin: germline.
Comment: NM_001318852.2(MAPK8IP3):c.3524-5C>G is a splice-region variant. This variant is absent from population databases. Computational prediction algorithms are consistent with a benign effect. The currently available literature and clinical evidence are not sufficient to establish a definitive association between this variant and the reported condition. Therefore, this variant is classified as a variant of uncertain significance.

NM_001318852.2(MAPK8IP3):c.3524-5C>G

Gene: MAPK8IP3 (mitogen-activated protein kinase 8 interacting protein 3; plus strand). Cytogenetic location: 16p13.3.
Variant type: single nucleotide variant.
Coding change: c.3524-5C>G on transcript NM_001318852.2 (MANE Select); 5 bases into the intron before coding-DNA position 3524, C replaced by G.
Molecular consequence: intron variant.
Genome position (GRCh38, 1-based): chr16:1,768,064, C>G. VCF-style: chr16-1768064-C-G. GRCh37 (hg19) VCF-style: chr16-1818065-C-G.
Other names: c.3521-5C>G (NM_015133.5); c.3503-5C>G (NM_001040439.2).
Identifiers: ClinVar variation 4880890 (VCV004880890.2).